The following is an entry in ClinVar:

ClinVar aggregate classification (germline): Conflicting classifications of pathogenicity. Review status: criteria provided, conflicting classifications (1 of 4 stars). 2 submissions from 2 submitters: Pathogenic (1); Uncertain significance (1). Last evaluated 2020-10-22.

Conditions:
Cardiovascular phenotype. Identifiers: MedGen CN230736.

gnomAD v4.1: 1 of 1,614,046 alleles (0.000062%); highest among the groups gnomAD compares: Non-Finnish European, 0.000085%; no homozygotes.

Submissions (2):

Ambry Genetics
Classification: Pathogenic for Cardiovascular phenotype. Last evaluated: 2020-10-22. Review status: criteria provided, single submitter. Criteria: Ambry Variant Classification Scheme 2023. Collection method: clinical testing. Allele origin: germline.
Comment: The c.7531C>T (p.R2511*) alteration, located in exon 38 (coding exon 38) of the ANK2 gene, consists of a C to T substitution at nucleotide position 7531. This changes the amino acid from an arginine (R) to a stop codon at amino acid position 2511. This alteration is expected to result in loss of function by premature protein truncation or nonsense-mediated mRNA decay. Based on the available evidence, this alteration is classified as pathogenic.

GeneDx
Classification: Uncertain significance. Last evaluated: 2019-04-01. Review status: criteria provided, single submitter. Criteria: GeneDx Variant Classification Process June 2021. Collection method: clinical testing. Allele origin: germline. Affected: yes.
Comment: Not observed in large population cohorts (Lek et al., 2016); Nonsense variant predicted to result in protein truncation or nonsense mediated decay in a gene for which loss-of-function is not a known mechanism of disease; Has not been previously published as pathogenic or benign to our knowledge

NM_001148.6(ANK2):c.7531C>T (p.Arg2511Ter)

Genes: ANK2 (ankyrin 2; plus strand), LOC126807137 (CDK7 strongly-dependent group 2 enhancer GRCh37_chr4:114276560-114277759; plus strand). Cytogenetic location: 4q26.
Variant type: single nucleotide variant.
Coding change: c.7531C>T on transcript NM_001148.6 (MANE Select); coding-DNA position 7531, C replaced by T.
Protein change: p.Arg2511Ter; replaces arginine 2511 with a stop codon.
Molecular consequence: nonsense. On other transcripts: intron variant (68).
Genome position (GRCh38, 1-based): chr4:113,356,149, C>T. VCF-style: chr4-113356149-C-T. GRCh37 (hg19) VCF-style: chr4-114277305-C-T.
Other names: c.7297C>T, p.Arg2433Ter (NM_001386142.1); c.3931C>T, p.Arg1311Ter (NM_001386166.1); c.7672C>T, p.Arg2558Ter (NM_001386174.1); c.7648C>T, p.Arg2550Ter (NM_001386175.1); c.4412-4674C>T (NM_001386186.2, NM_001386148.2); c.4214-4674C>T (NM_001354269.3); c.4292-4674C>T (NM_001386187.2); c.4253-4674C>T (NM_001386147.1); and 35 more; short protein forms R1311*, R2433*, R2511*, R2550*, R2558*.
Identifiers: ClinVar variation 1318469 (VCV001318469.4), dbSNP rs2154024936, ClinGen allele CA357930651.